The following is an entry in ClinVar:

NM_030662.4(MAP2K2):c.258C>T (p.Val86=)

Gene: MAP2K2 (mitogen-activated protein kinase kinase 2; minus strand). Cytogenetic location: 19p13.3.
Variant type: single nucleotide variant.
Coding change: c.258C>T on transcript NM_030662.4 (MANE Select); coding-DNA position 258, C replaced by T.
Protein change: p.Val86=; no amino-acid change (valine 86 retained).
Molecular consequence: synonymous variant.
Genome position (GRCh38, 1-based): chr19:4,117,464, G>A on the plus strand (C>T on the coding strand, the complement: MAP2K2 is on the minus strand). VCF-style: chr19-4117464-G-A. GRCh37 (hg19) VCF-style: chr19-4117462-G-A.
Identifiers: ClinVar variation 512224 (VCV000512224.4), dbSNP rs148437150, ClinGen allele CA304456545.

ClinVar aggregate classification (germline): Likely benign. Review status: criteria provided, multiple submitters, no conflicts (2 of 4 stars). 3 submissions from 3 submitters: Likely benign (3). Last evaluated 2026-08-16.

Conditions:
Cardiovascular phenotype. Identifiers: MedGen CN230736.
RASopathy. Also called: rasopathies; Noonan spectrum disorder. Identifiers: Orphanet 536391, MedGen C5555857, MONDO:0021060.

Allele frequency attached by ClinVar (database versions not stated): TOPMed 0.00002.
gnomAD v4.1: 3 of 1,613,874 alleles (0.00019%); highest among the groups gnomAD compares: African/African-American, 0.004%; no homozygotes.

Submissions (3):

Ambry Genetics
Classification: Likely benign for Cardiovascular phenotype. Last evaluated: 2026-08-16. Review status: criteria provided, single submitter. Criteria: Ambry Variant Classification Scheme 2023. Collection method: clinical testing. Allele origin: germline.

Labcorp Genetics (formerly Invitae), Labcorp
Classification: Likely benign for RASopathy. Last evaluated: 2025-09-12. Review status: criteria provided, single submitter. Criteria: Invitae Variant Classification Sherloc (09022015). Collection method: clinical testing. Allele origin: germline.

GeneDx
Classification: Likely benign. Last evaluated: 2017-09-25. Review status: criteria provided, single submitter. Criteria: GeneDx Variant Classification (06012015). Collection method: clinical testing. Allele origin: germline. Affected: yes.
Comment: This variant is considered likely benign or benign based on one or more of the following criteria: it is a conservative change, it occurs at a poorly conserved position in the protein, it is predicted to be benign by multiple in silico algorithms, and/or has population frequency not consistent with disease.